The following is an entry in ClinVar:

ClinVar aggregate classification (germline): Likely pathogenic (1 of 4 stars; one submission).

Conditions:
Snijders blok-fisher syndrome. Identifiers: Orphanet 656135, MedGen C5231424, MONDO:0032830, OMIM 618604.

Submission:

Institute of Human Genetics, University of Leipzig Medical Center
Classification: Likely pathogenic for Snijders blok-fisher syndrome. Last evaluated: 2025-03-04. Review status: criteria provided, single submitter. Criteria: ACMG Guidelines, 2015. Collection method: clinical testing. Allele origin: de novo. Inheritance: Autosomal dominant inheritance. Affected: yes.
Comment: Criteria applied: PVS1_STR,PS2_MOD,PM2

NM_006236.3(POU3F3):c.950del (p.Pro317fs)

Gene: POU3F3 (POU class 3 homeobox 3; plus strand). Cytogenetic location: 2q12.1.
Variant type: Deletion.
Coding change: c.950del on transcript NM_006236.3 (MANE Select); coding-DNA position 950, one base deleted (C; older notation c.950delC).
Protein change: p.Pro317fs; shifts the reading frame from proline 317.
Molecular consequence: frameshift variant.
Genome position (GRCh38, 1-based): chr2:104,856,460, C deleted; the last of 2 consecutive C bases (chr2:104,856,459-104,856,460); deleting either gives the same sequence. VCF-style (leftmost placement, unchanged base first): chr2-104856458-GC-G. GRCh37 (hg19) VCF-style: chr2-105472916-GC-G.
Other names: short protein forms P317fs.
Identifiers: ClinVar variation 3773717 (VCV003773717.2).